The following is an entry in ClinVar:

ClinVar aggregate classification (germline): Conflicting classifications of pathogenicity. Review status: criteria provided, conflicting classifications (1 of 4 stars). 2 submissions from 2 submitters: Pathogenic (1); Uncertain significance (1). Last evaluated 2026-05-18.

Conditions:
Telangiectasia, hereditary hemorrhagic, type 5 (HHT5). Identifiers: Orphanet 774, MedGen C3809710, MONDO:0014217, OMIM 615506.

Submissions (2):

GeneDx
Classification: Uncertain significance. Last evaluated: 2026-05-18. Review status: criteria provided, single submitter. Criteria: GeneDx Variant Classification Process June 2021. Collection method: clinical testing. Allele origin: germline.
Comment: Nonsense variant predicted to result in protein truncation as the last 15 amino acid(s) are lost; Has not been previously published as pathogenic or benign to our knowledge; Not observed at significant frequency in large population cohorts (gnomAD)

Labcorp Genetics (formerly Invitae), Labcorp
Classification: Pathogenic for Telangiectasia, hereditary hemorrhagic, type 5. Last evaluated: 2024-04-17. Review status: criteria provided, single submitter. Criteria: Invitae Variant Classification Sherloc (09022015). Collection method: clinical testing. Allele origin: germline.
Comment: This sequence change creates a premature translational stop signal (p.Lys415*) in the GDF2 gene. While this is not anticipated to result in nonsense mediated decay, it is expected to disrupt the last 15 amino acid(s) of the GDF2 protein. This variant is not present in population databases (gnomAD no frequency). This variant has not been reported in the literature in individuals affected with GDF2-related conditions. ClinVar contains an entry for this variant (Variation ID: 1401328). Algorithms developed to predict the effect of sequence changes on RNA splicing suggest that this variant may create or strengthen a splice site. This variant disrupts a region of the GDF2 protein in which other variant(s) (p.Val423Met) have been determined to be pathogenic (PMID: 30578397, 31727138). This suggests that this is a clinically significant region of the protein, and that variants that disrupt it are likely to be disease-causing. For these reasons, this variant has been classified as Pathogenic.

Literature cited by the submitters: PubMed 30578397 (cited by Labcorp Genetics (formerly Invitae), Labcorp); PubMed 31727138 (cited by Labcorp Genetics (formerly Invitae), Labcorp).

NM_016204.4(GDF2):c.1243A>T (p.Lys415Ter)

Gene: GDF2 (growth differentiation factor 2; plus strand). Cytogenetic location: 10q11.22.
Variant type: single nucleotide variant.
Coding change: c.1243A>T on transcript NM_016204.4 (MANE Select); coding-DNA position 1243, A replaced by T.
Protein change: p.Lys415Ter; replaces lysine 415 with a stop codon.
Molecular consequence: nonsense.
Genome position (GRCh38, 1-based): chr10:47,325,737, A>T. VCF-style: chr10-47325737-A-T. GRCh37 (hg19) VCF-style: chr10-48413625-T-A.
Other names: c.1243A>T (NM_016204.2); short protein forms K415*.
Identifiers: ClinVar variation 1401328 (VCV001401328.10), dbSNP rs2132236938, ClinGen allele CA376658947.